The following is an entry in ClinVar:

ClinVar aggregate classification (germline): Pathogenic (1 of 4 stars; one submission).

Conditions:
Multiple endocrine neoplasia, type 1 (MEN1). Also called: MEN I; WERMER SYNDROME; Endocrine adenomatosis multiple; MEN 1; MEA I. Identifiers: Orphanet 652, MedGen C0025267, MeSH D018761, MONDO:0007540, OMIM 131100.

Submission:

Labcorp Genetics (formerly Invitae), Labcorp
Classification: Pathogenic for Multiple endocrine neoplasia, type 1. Last evaluated: 2018-04-11. Review status: criteria provided, single submitter. Criteria: Invitae Variant Classification Sherloc (09022015). Collection method: clinical testing. Allele origin: germline.
Comment: Donor and acceptor splice site variants typically lead to a loss of protein function (PMID: 16199547), and loss-of-function variants in MEN1 are known to be pathogenic (PMID: 12112656, 17853334). For these reasons, this variant has been classified as Pathogenic. A different variant affecting this nucleotide (c.1050-2A>G) has been determined to be pathogenic (PMID: 9506756). This suggests that this nucleotide is important for normal RNA splicing, and that other variants at this position may also be pathogenic. This variant has not been reported in the literature in individuals with MEN1-related disease. This variant is not present in population databases (ExAC no frequency). This sequence change affects an acceptor splice site in intron 7 of the MEN1 gene. It is expected to disrupt RNA splicing and likely results in an absent or disrupted protein product.

Literature cited by the submitters: PubMed 16199547; PubMed 12112656; PubMed 17853334; PubMed 9506756.

NM_001370259.2(MEN1):c.1050-2A>T

Gene: MEN1 (menin 1; minus strand). Cytogenetic location: 11q13.1.
Variant type: single nucleotide variant.
Coding change: c.1050-2A>T on transcript NM_001370259.2 (MANE Select); the canonical splice acceptor site of the intron before coding-DNA position 1050, A replaced by T.
Molecular consequence: splice acceptor variant.
Genome position (GRCh38, 1-based): chr11:64,805,772, T>A on the plus strand (A>T on the coding strand, the complement: MEN1 is on the minus strand). VCF-style: chr11-64805772-T-A. GRCh37 (hg19) VCF-style: chr11-64573244-T-A.
Other names: c.1065-2A>T (NM_130804.3, NM_130803.3, NM_000244.4 and 4 more transcripts); c.945-2A>T (NM_001407148.1, NM_001407149.1, NM_001370263.2 and 1 more transcripts); c.1050-2A>T (NM_130799.3, NM_001370260.2, NM_001407152.1 and 3 more transcripts); c.1176-2A>T (NM_001407144.1, NM_001370251.2, NM_001407142.1 and 1 more transcripts); c.1071-2A>T (NM_001407151.1); c.1191-2A>T (NM_001407150.1).
Identifiers: ClinVar variation 576171 (VCV000576171.9), dbSNP rs1565642765, ClinGen allele CA381183033.